The following is an entry in ClinVar:

ClinVar aggregate classification (germline): Uncertain significance. Review status: criteria provided, multiple submitters, no conflicts (2 of 4 stars). 2 submissions from 2 submitters: Uncertain significance (2). Last evaluated 2023-11-29.

Conditions:
Hereditary cancer-predisposing syndrome. Also called: Neoplastic Syndromes, Hereditary; Hereditary Cancer Syndrome; Tumor predisposition; Hereditary neoplastic syndrome. Identifiers: Orphanet 140162, MedGen C0027672, MeSH D009386, MONDO:0015356.
Gorlin syndrome. Also called: Nevoid Basal Cell Carcinoma Syndrome; Basal cell nevus syndrome. Identifiers: Orphanet 377, MedGen C0004779, MONDO:0007187.

Allele frequency attached by ClinVar (database versions not stated): gnomAD exomes below 0.00001.
gnomAD v4.1: 1 of 1,614,118 alleles (0.000062%); highest among the groups gnomAD compares: Middle Eastern, 0.016%; no homozygotes.

Submissions (2):

Labcorp Genetics (formerly Invitae), Labcorp
Classification: Uncertain significance for Gorlin syndrome. Last evaluated: 2023-11-29. Review status: criteria provided, single submitter. Criteria: Invitae Variant Classification Sherloc (09022015). Collection method: clinical testing. Allele origin: germline.
Comment: This sequence change replaces proline, which is neutral and non-polar, with serine, which is neutral and polar, at codon 642 of the PTCH1 protein (p.Pro642Ser). This variant is not present in population databases (gnomAD no frequency). This variant has not been reported in the literature in individuals affected with PTCH1-related conditions. ClinVar contains an entry for this variant (Variation ID: 2564377). Advanced modeling of protein sequence and biophysical properties (such as structural, functional, and spatial information, amino acid conservation, physicochemical variation, residue mobility, and thermodynamic stability) performed at Invitae indicates that this missense variant is not expected to disrupt PTCH1 protein function with a negative predictive value of 95%. In summary, the available evidence is currently insufficient to determine the role of this variant in disease. Therefore, it has been classified as a Variant of Uncertain Significance.

Ambry Genetics
Classification: Uncertain significance for Hereditary cancer-predisposing syndrome. Last evaluated: 2023-05-01. Review status: criteria provided, single submitter. Criteria: Ambry Variant Classification Scheme 2023. Collection method: clinical testing. Allele origin: germline.
Comment: The p.P642S variant (also known as c.1924C>T), located in coding exon 14 of the PTCH1 gene, results from a C to T substitution at nucleotide position 1924. The proline at codon 642 is replaced by serine, an amino acid with similar properties. This amino acid position is highly conserved in available vertebrate species. In addition, the in silico prediction for this alteration is inconclusive. Since supporting evidence is limited at this time, the clinical significance of this alteration remains unclear.

NM_000264.5(PTCH1):c.1924C>T (p.Pro642Ser)

Genes: PTCH1 (patched 1; minus strand), LOC100507346 (uncharacterized LOC100507346; plus strand). Cytogenetic location: 9q22.32.
Variant type: single nucleotide variant.
Coding change: c.1924C>T on transcript NM_000264.5 (MANE Select); coding-DNA position 1924, C replaced by T.
Protein change: p.Pro642Ser; replaces proline 642 with serine.
Molecular consequence: missense variant. On other transcripts: non-coding transcript variant (2).
Genome position (GRCh38, 1-based): chr9:95,469,077, G>A on the plus strand (C>T on the coding strand, the complement: PTCH1 is on the minus strand). VCF-style: chr9-95469077-G-A. GRCh37 (hg19) VCF-style: chr9-98231359-G-A.
Other names: c.1726C>T, p.Pro576Ser (NM_001083602.3); c.1921C>T, p.Pro641Ser (NM_001083603.3); c.1471C>T, p.Pro491Ser (NM_001083604.3, NM_001083605.3, NM_001083606.3 and 1 more transcripts); c.1768C>T, p.Pro590Ser (NM_001354918.2); short protein forms P641S, P491S, P576S, P590S, P642S.
Identifiers: ClinVar variation 2564377 (VCV002564377.5), dbSNP rs2118053699, ClinGen allele CA374116035.